The following is an entry in ClinVar:

ClinVar aggregate classification (germline): Uncertain significance (1 of 4 stars; one submission).

Conditions:
Primary immunodeficiency with post-measles-mumps-rubella vaccine viral infection. Also called: Immunodeficiency 44. Identifiers: Orphanet 431166, MedGen C4225260, MONDO:0014715, OMIM 616636.

Allele frequency attached by ClinVar (database versions not stated): gnomAD 0.00001; TOPMed 0.00001.
gnomAD v4.1: 3 of 1,614,014 alleles (0.00019%); highest among the groups gnomAD compares: South Asian, 0.0011%; no homozygotes.

Submission:

Labcorp Genetics (formerly Invitae), Labcorp
Classification: Uncertain significance for Primary immunodeficiency with post-measles-mumps-rubella vaccine viral infection. Last evaluated: 2020-12-07. Review status: criteria provided, single submitter. Criteria: Invitae Variant Classification Sherloc (09022015). Collection method: clinical testing. Allele origin: germline.
Comment: This sequence change replaces arginine with glutamine at codon 583 of the STAT2 protein (p.Arg583Gln). The arginine residue is moderately conserved and there is a small physicochemical difference between arginine and glutamine. This variant is not present in population databases (ExAC no frequency). This variant has not been reported in the literature in individuals with STAT2-related conditions. Advanced modeling of protein sequence and biophysical properties (such as structural, functional, and spatial information, amino acid conservation, physicochemical variation, residue mobility, and thermodynamic stability) performed at Invitae indicates that this missense variant is expected to disrupt STAT2 protein function. In summary, the available evidence is currently insufficient to determine the role of this variant in disease. Therefore, it has been classified as a Variant of Uncertain Significance.

NM_005419.4(STAT2):c.1748G>A (p.Arg583Gln)

Gene: STAT2 (signal transducer and activator of transcription 2; minus strand). Cytogenetic location: 12q13.3.
Variant type: single nucleotide variant.
Coding change: c.1748G>A on transcript NM_005419.4 (MANE Select); coding-DNA position 1748, G replaced by A.
Protein change: p.Arg583Gln; replaces arginine 583 with glutamine.
Molecular consequence: missense variant.
Genome position (GRCh38, 1-based): chr12:56,346,932, C>T on the plus strand (G>A on the coding strand, the complement: STAT2 is on the minus strand). VCF-style: chr12-56346932-C-T. GRCh37 (hg19) VCF-style: chr12-56740716-C-T.
Other names: c.1715G>A, p.Arg572Gln (NM_001385110.1); c.1649G>A, p.Arg550Gln (NM_001385111.1); c.1748G>A, p.Arg583Gln (NM_001385113.1); c.1727G>A, p.Arg576Gln (NM_001385114.1); c.1706G>A, p.Arg569Gln (NM_001385115.1); c.1736G>A, p.Arg579Gln (NM_198332.2); short protein forms R550Q, R569Q, R579Q, R583Q, R576Q, R572Q.
Identifiers: ClinVar variation 1465954 (VCV001465954.8), dbSNP rs1018464203, ClinGen allele CA237646634.